The following is an entry in ClinVar:

NM_016023.5(OTUD6B):c.389C>A (p.Ala130Asp)

Gene: OTUD6B (OTU deubiquitinase 6B; plus strand). Cytogenetic location: 8q21.3.
Variant type: single nucleotide variant.
Coding change: c.389C>A on transcript NM_016023.5 (MANE Select); coding-DNA position 389, C replaced by A.
Protein change: p.Ala130Asp; replaces alanine 130 with aspartic acid.
Molecular consequence: missense variant.
Genome position (GRCh38, 1-based): chr8:91,078,429, C>A. VCF-style: chr8-91078429-C-A. GRCh37 (hg19) VCF-style: chr8-92090657-C-A.
Other names: c.86C>A, p.Ala29Asp (NM_001286745.3); short protein forms A130D, A29D.
Identifiers: ClinVar variation 711502 (VCV000711502.16), dbSNP rs143832637, ClinGen allele CA4804769.

ClinVar aggregate classification (germline): Conflicting classifications of pathogenicity. Review status: criteria provided, conflicting classifications (1 of 4 stars). 6 submissions from 6 submitters: Uncertain significance (3); Likely benign (2). 1 of the submissions does not count toward it. Last evaluated 2025-12-05.

Conditions:
Intellectual developmental disorder with dysmorphic facies, seizures, and distal limb anomalies (IDDFSDA). Identifiers: Orphanet 505237, MedGen C4479520, MONDO:0044319, OMIM 617452.
OTUD6B-related disorder. Also called: OTUD6B-related condition.
Inborn genetic diseases. Identifiers: MedGen C0950123, MeSH D030342.

Allele frequency attached by ClinVar (database versions not stated): gnomAD exomes 0.00010 and 0.00035; ExAC 0.00085; gnomAD 0.00106 and 0.00116; TOPMed 0.00119; 1000 Genomes Project 0.00200; ESP Exome Variant Server 0.00215; 1000 Genomes Project 30x 0.00250.

Submissions (6):

GeneDx
Classification: Uncertain significance. Last evaluated: 2025-12-05. Review status: criteria provided, single submitter. Criteria: GeneDx Variant Classification Process June 2021. Collection method: clinical testing. Allele origin: germline. Affected: yes.
Comment: In silico analysis supports that this missense variant has a deleterious effect on protein structure/function; Has not been previously published as pathogenic or benign to our knowledge

Ambry Genetics
Classification: Likely benign for Inborn genetic diseases. Last evaluated: 2025-08-02. Review status: criteria provided, single submitter. Criteria: Ambry Variant Classification Scheme 2023. Collection method: clinical testing. Allele origin: germline.

Women's Health and Genetics/Laboratory Corporation of America, LabCorp
Classification: Uncertain significance. Last evaluated: 2019-11-12. Review status: criteria provided, single submitter. Criteria: LabCorp Variant Classification Summary - May 2015. Collection method: clinical testing. Allele origin: germline.
Comment: Variant summary: OTUD6B c.479C>A (p.Ala160Asp) results in a non-conservative amino acid change in the encoded protein sequence. Three of five in-silico tools predict a benign effect of the variant on protein function. The variant allele was found at a frequency of 0.00035 in 226198 control chromosomes, predominantly at a frequency of 0.0045 within the African or African-American subpopulation in the gnomAD database. The observed variant frequency within African or African-American control individuals in the gnomAD database is approximately 4-fold of the estimated maximal expected allele frequency for a pathogenic variant in OTUD6B causing Intellectual developmental disorder with dysmorphic facies, seizures, and distal limb anomalies phenotype (0.0011), strongly suggesting that the variant is a benign polymorphism found primarily in populations of African or African-American origin. To our knowledge, no occurrence of c.479C>A in individuals affected with Intellectual developmental disorder with dysmorphic facies, seizures, and distal limb anomalies and no experimental evidence demonstrating its impact on protein function have been reported. No clinical diagnostic laboratories have submitted clinical-significance assessments for this variant to ClinVar after 2014. Based on the evidence outlined above, the variant was classified as VUS-possibly benign.

Labcorp Genetics (formerly Invitae), Labcorp
Classification: Likely benign. Last evaluated: 2018-11-15. Review status: criteria provided, single submitter. Criteria: Invitae Variant Classification Sherloc (09022015). Collection method: clinical testing. Allele origin: germline.

Baylor Genetics
Classification: Uncertain significance for Intellectual developmental disorder with dysmorphic facies, seizures, and distal limb anomalies. Last evaluated: 2018-04-11. Review status: criteria provided, single submitter. Criteria: ACMG Guidelines, 2015. Collection method: clinical testing. Allele origin: maternal. Affected: yes.
Comment: This variant was determined to be of uncertain significance according to ACMG Guidelines, 2015 [PMID:25741868].

PreventionGenetics, part of Exact Sciences
Classification: Likely benign for OTUD6B-related condition. Last evaluated: 2019-02-21. Review status: no assertion criteria provided. Collection method: clinical testing. Allele origin: germline. Not counted in ClinVar's aggregate classification.
Comment: This variant is classified as likely benign based on ACMG/AMP sequence variant interpretation guidelines (Richards et al. 2015 PMID: 25741868, with internal and published modifications).